The following is an entry in ClinVar:

NM_153704.6(TMEM67):c.1844G>A (p.Cys615Tyr)

Gene: TMEM67 (transmembrane protein 67; plus strand). Cytogenetic location: 8q22.1.
Variant type: single nucleotide variant.
Coding change: c.1844G>A on transcript NM_153704.6 (MANE Select); coding-DNA position 1844, G replaced by A.
Protein change: p.Cys615Tyr; replaces cysteine 615 with tyrosine.
Molecular consequence: missense variant. On other transcripts: non-coding transcript variant (1).
Genome position (GRCh38, 1-based): chr8:93,795,971, G>A. VCF-style: chr8-93795971-G-A. GRCh37 (hg19) VCF-style: chr8-94808199-G-A.
Other names: c.1601G>A, p.Cys534Tyr (NM_001142301.1); c.1844G>A (NM_153704.5); short protein forms C615Y, C534Y.
Identifiers: ClinVar variation 1349411 (VCV001349411.10), dbSNP rs377160954, ClinGen allele CA4808119.

ClinVar aggregate classification (germline): Conflicting classifications of pathogenicity. Review status: criteria provided, conflicting classifications (1 of 4 stars). 3 submissions from 3 submitters: Likely pathogenic (1); Uncertain significance (1). 1 of the submissions does not count toward it. Last evaluated 2024-04-15.

Conditions:
TMEM67-related disorder. Also called: TMEM67-related disorders; TMEM67-related condition. Identifiers: MedGen CN239423.
Bardet-Biedl syndrome 14 (BBS14). Identifiers: Orphanet 110, MedGen C2673874, MONDO:0014442, OMIM 615991.
Meckel syndrome, type 3 (MKS3). Also called: MECKEL-GRUBER SYNDROME, TYPE 3. Identifiers: Orphanet 564, MedGen C1846357, MONDO:0011821, OMIM 607361.
COACH syndrome 1. Identifiers: Orphanet 1454, MedGen C5435651, MONDO:0800103, OMIM 216360, MONDO:0008996.
Nephronophthisis 11 (NPHP11). Identifiers: Orphanet 84081, MedGen C3150796, MONDO:0013302, OMIM 613550.
Joubert syndrome 6 (JBTS6). Identifiers: Orphanet 475, MedGen C1853153, MONDO:0012539, OMIM 610688.
RHYNS syndrome. Also called: RETINITIS PIGMENTOSA SYNDROME; RETINITIS PIGMENTOSA, HYPOPITUITARISM, NEPHRONOPHTHISIS, AND MILD SKELETAL DYSPLASIA. Identifiers: Orphanet 140976, MedGen C1865794, MONDO:0011202, OMIM 602152.
Meckel-Gruber syndrome. Also called: GRUBER SYNDROME; Dysencephalia splachnocystica; DYSENCEPHALIA SPLANCHNOCYSTICA. Identifiers: Orphanet 564, MedGen C0265215, MONDO:0018921.
Joubert syndrome. Also called: JOUBERT-BOLTSHAUSER SYNDROME; Familial aplasia of the vermis. Identifiers: Orphanet 475, MedGen C5979921, MONDO:0018772.

Allele frequency attached by ClinVar (database versions not stated): gnomAD exomes 0.00001 and 0.00002; TOPMed 0.00001; ExAC 0.00002; gnomAD 0.00002; ESP Exome Variant Server 0.00008.
gnomAD v4.1: 16 of 1,612,848 alleles (0.00099%); highest among the groups gnomAD compares: African/African-American, 0.0013%; no homozygotes.

Submissions (3):

Fulgent Genetics
Classification: Uncertain significance for COACH syndrome 1; RHYNS syndrome; Meckel syndrome, type 3; Joubert syndrome 6; Nephronophthisis 11; Bardet-Biedl syndrome 14. Last evaluated: 2024-04-15. Review status: criteria provided, single submitter. Criteria: ACMG Guidelines, 2015. Collection method: clinical testing. Allele origin: germline.

Labcorp Genetics (formerly Invitae), Labcorp
Classification: Likely pathogenic for Joubert syndrome; Meckel-Gruber syndrome. Last evaluated: 2024-03-16. Review status: criteria provided, single submitter. Criteria: Invitae Variant Classification Sherloc (09022015). Collection method: clinical testing. Allele origin: germline.
Comment: This sequence change replaces cysteine, which is neutral and slightly polar, with tyrosine, which is neutral and polar, at codon 615 of the TMEM67 protein (p.Cys615Tyr). This variant is present in population databases (rs377160954, gnomAD 0.003%). This variant has not been reported in the literature in individuals affected with TMEM67-related conditions. ClinVar contains an entry for this variant (Variation ID: 1349411). Advanced modeling of protein sequence and biophysical properties (such as structural, functional, and spatial information, amino acid conservation, physicochemical variation, residue mobility, and thermodynamic stability) performed at Invitae indicates that this missense variant is expected to disrupt TMEM67 protein function with a positive predictive value of 95%. This variant disrupts the p.Cys615 amino acid residue in TMEM67. Other variant(s) that disrupt this residue have been determined to be pathogenic (PMID: 19508969, 19540516, 20607301, 26035863). This suggests that this residue is clinically significant, and that variants that disrupt this residue are likely to be disease-causing. In summary, the currently available evidence indicates that the variant is pathogenic, but additional data are needed to prove that conclusively. Therefore, this variant has been classified as Likely Pathogenic.

PreventionGenetics, part of Exact Sciences
Classification: Uncertain significance for TMEM67-related condition. Last evaluated: 2024-09-20. Review status: no assertion criteria provided. Collection method: clinical testing. Allele origin: germline. Not counted in ClinVar's aggregate classification.
Comment: The TMEM67 c.1844G>A variant is predicted to result in the amino acid substitution p.Cys615Tyr. To our knowledge, this variant has not been reported in the literature. Different missense variants affecting the same codon have been reported in individuals with clinical features of nephronophthisis with liver fibrosis (Otto et al. 2009. PubMed ID: 19508969; Gunay-Aygun et al. 2009. PubMed ID: 19540516; Seeman et al. 2010. PubMed ID: 20607301). This variant is reported in 0.0033% of alleles in individuals of South Asian descent in gnomAD. Although we suspect this variant may be pathogenic, at this time the clinical significance is uncertain due to the absence of conclusive functional and genetic evidence.

Literature cited by the submitters: PubMed 19508969 (cited by Labcorp Genetics (formerly Invitae), Labcorp); PubMed 19540516 (cited by Labcorp Genetics (formerly Invitae), Labcorp); PubMed 20607301 (cited by Labcorp Genetics (formerly Invitae), Labcorp); PubMed 26035863 (cited by Labcorp Genetics (formerly Invitae), Labcorp).